The following is an entry in ClinVar:

NM_002474.3(MYH11):c.3433G>A (p.Gly1145Ser)

Gene: MYH11 (myosin heavy chain 11; minus strand). Cytogenetic location: 16p13.11.
Variant type: single nucleotide variant.
Coding change: c.3433G>A on transcript NM_002474.3 (MANE Select); coding-DNA position 3433, G replaced by A.
Protein change: p.Gly1145Ser; replaces glycine 1145 with serine.
Molecular consequence: missense variant.
Genome position (GRCh38, 1-based): chr16:15,735,439, C>T on the plus strand (G>A on the coding strand, the complement: MYH11 is on the minus strand). VCF-style: chr16-15735439-C-T. GRCh37 (hg19) VCF-style: chr16-15829296-C-T.
Other names: c.3433G>A (NM_002474.2); c.3454G>A, p.Gly1152Ser (NM_001040113.2, NM_001040114.2); c.3433G>A, p.Gly1145Ser (NM_022844.3); short protein forms G1145S, G1152S.
Identifiers: ClinVar variation 1332512 (VCV001332512.11), dbSNP rs761657319, ClinGen allele CA7921995.

ClinVar aggregate classification (germline): Uncertain significance. Review status: criteria provided, multiple submitters, no conflicts (2 of 4 stars). 6 submissions from 6 submitters: Uncertain significance (6). Last evaluated 2026-06-01.

Conditions:
Familial thoracic aortic aneurysm and aortic dissection (TAAD). Also called: Thoracic aortic aneurysms and dissections. Identifiers: Orphanet 91387, MedGen C4707243, MONDO:0019625.
Aortic aneurysm, familial thoracic 4 (AAT4). Also called: AORTIC ANEURYSM/AORTIC DISSECTION AND PATENT DUCTUS ARTERIOSUS. Identifiers: MedGen C1851504, MONDO:0007568, OMIM 132900.

Allele frequency attached by ClinVar (database versions not stated): ExAC 0.00003; gnomAD exomes 0.00003.
gnomAD v4.1: 16 of 1,614,076 alleles (0.00099%); highest among the groups gnomAD compares: East Asian, 0.011%; no homozygotes.

Submissions (6):

CeGaT Center for Human Genetics Tuebingen
Classification: Uncertain significance. Last evaluated: 2026-06-01. Review status: criteria provided, single submitter. Criteria: CeGaT Center For Human Genetics Tuebingen Variant Classification Criteria Version 2. Collection method: clinical testing. Allele origin: germline. Affected: yes. Observed: 1 variant allele.
Comment: MYH11: PM2

GeneDx
Classification: Uncertain significance. Last evaluated: 2024-09-25. Review status: criteria provided, single submitter. Criteria: GeneDx Variant Classification Process June 2021. Collection method: clinical testing. Allele origin: germline. Affected: yes.
Comment: In silico analysis indicates that this missense variant does not alter protein structure/function; Has not been previously published as pathogenic or benign to our knowledge

Color Diagnostics, LLC DBA Color Health
Classification: Uncertain significance for Familial thoracic aortic aneurysm and aortic dissection. Last evaluated: 2024-03-06. Review status: criteria provided, single submitter. Criteria: ACMG Guidelines, 2015. Collection method: clinical testing. Allele origin: germline.
Comment: This missense variant replaces glycine with serine at codon 1152 of the MYH11 protein. Computational prediction suggests that this variant may not impact protein structure and function (internally defined REVEL score threshold <= 0.5, PMID: 27666373). To our knowledge, functional studies have not been reported for this variant. This variant has not been reported in individuals affected with cardiovascular disorders in the literature. This variant has been identified in 8/251486 chromosomes in the general population by the Genome Aggregation Database (gnomAD). The available evidence is insufficient to determine the role of this variant in disease conclusively. Therefore, this variant is classified as a Variant of Uncertain Significance.

All of Us Research Program, National Institutes of Health
Classification: Uncertain significance for Familial thoracic aortic aneurysm and aortic dissection. Last evaluated: 2023-06-28. Review status: criteria provided, single submitter. Criteria: ACMG Guidelines, 2015. Collection method: clinical testing. Allele origin: germline. Inheritance: Autosomal dominant inheritance. Observed: 1 variant allele, 1 heterozygote.
Comment: This missense variant replaces glycine with serine at codon 1152 of the MYH11 protein. Computational prediction suggests that this variant may not impact protein structure and function (internally defined REVEL score threshold <= 0.5, PMID: 27666373). To our knowledge, functional studies have not been reported for this variant. This variant has not been reported in individuals affected with cardiovascular disorders in the literature. This variant has been identified in 8/251486 chromosomes in the general population by the Genome Aggregation Database (gnomAD). The available evidence is insufficient to determine the role of this variant in disease conclusively. Therefore, this variant is classified as a Variant of Uncertain Significance.

This study involves interpretation of variants in research participants for the purpose of population health screening. Participant phenotype was not available at the time of variant classification. Additional details can be found in publication PMID: 35346344, PMCID: PMC8962531

Labcorp Genetics (formerly Invitae), Labcorp
Classification: Uncertain significance for Aortic aneurysm, familial thoracic 4. Last evaluated: 2023-04-27. Review status: criteria provided, single submitter. Criteria: Invitae Variant Classification Sherloc (09022015). Collection method: clinical testing. Allele origin: germline.
Comment: In summary, the available evidence is currently insufficient to determine the role of this variant in disease. Therefore, it has been classified as a Variant of Uncertain Significance. Advanced modeling of protein sequence and biophysical properties (such as structural, functional, and spatial information, amino acid conservation, physicochemical variation, residue mobility, and thermodynamic stability) performed at Invitae indicates that this missense variant is not expected to disrupt MYH11 protein function. ClinVar contains an entry for this variant (Variation ID: 1332512). This variant has not been reported in the literature in individuals affected with MYH11-related conditions. This variant is present in population databases (rs761657319, gnomAD 0.03%). This sequence change replaces glycine, which is neutral and non-polar, with serine, which is neutral and polar, at codon 1152 of the MYH11 protein (p.Gly1152Ser).

Ambry Genetics
Classification: Uncertain significance for Familial thoracic aortic aneurysm and aortic dissection. Last evaluated: 2022-12-01. Review status: criteria provided, single submitter. Criteria: Ambry Variant Classification Scheme 2023. Collection method: clinical testing. Allele origin: germline.
Comment: The p.G1145S variant (also known as c.3433G>A), located in coding exon 25 of the MYH11 gene, results from a G to A substitution at nucleotide position 3433. The glycine at codon 1145 is replaced by serine, an amino acid with similar properties. This amino acid position is conserved. In addition, this alteration is predicted to be tolerated by in silico analysis. Since supporting evidence is limited at this time, the clinical significance of this alteration remains unclear.